The following is an entry in ClinVar:

ClinVar aggregate classification (germline): Pathogenic (1 of 4 stars; one submission).

Allele frequency attached by ClinVar (database versions not stated): TOPMed below 0.00001; gnomAD 0.00001.
gnomAD v4.1: 7 of 1,613,890 alleles (0.00043%); highest among the groups gnomAD compares: African/African-American, 0.0027%; no homozygotes.

Submission:

Labcorp Genetics (formerly Invitae), Labcorp
Classification: Pathogenic. Last evaluated: 2021-09-15. Review status: criteria provided, single submitter. Criteria: Invitae Variant Classification Sherloc (09022015). Collection method: clinical testing. Allele origin: germline.
Comment: This sequence change creates a premature translational stop signal (p.Arg416*) in the INSR gene. It is expected to result in an absent or disrupted protein product. Loss-of-function variants in INSR are known to be pathogenic (PMID: 12023989, 26160152). For these reasons, this variant has been classified as Pathogenic. This variant is also known as R389X. This premature translational stop signal has been observed in individual(s) with Leprechaunism (PMID: 16705075). This variant is not present in population databases (ExAC no frequency).

Literature cited by the submitters: PubMed 12023989; PubMed 26160152; PubMed 16705075.

NM_000208.4(INSR):c.1246C>T (p.Arg416Ter)

Gene: INSR (insulin receptor; minus strand). Cytogenetic location: 19p13.2.
Variant type: single nucleotide variant.
Coding change: c.1246C>T on transcript NM_000208.4 (MANE Select); coding-DNA position 1246, C replaced by T.
Protein change: p.Arg416Ter; replaces arginine 416 with a stop codon.
Molecular consequence: nonsense.
Genome position (GRCh38, 1-based): chr19:7,172,312, G>A on the plus strand (C>T on the coding strand, the complement: INSR is on the minus strand). VCF-style: chr19-7172312-G-A. GRCh37 (hg19) VCF-style: chr19-7172323-G-A.
Other names: c.1246C>T, p.Arg416Ter (NM_001079817.3); short protein forms R416*.
Identifiers: ClinVar variation 1459005 (VCV001459005.6), dbSNP rs778989302, ClinGen allele CA403667603.